The following is an entry in ClinVar:

NM_000257.4(MYH7):c.5371A>G (p.Lys1791Glu)

Gene: MYH7 (myosin heavy chain 7; minus strand). Cytogenetic location: 14q11.2.
Variant type: single nucleotide variant.
Coding change: c.5371A>G on transcript NM_000257.4 (MANE Select); coding-DNA position 5371, A replaced by G.
Protein change: p.Lys1791Glu; replaces lysine 1791 with glutamic acid.
Molecular consequence: missense variant.
Genome position (GRCh38, 1-based): chr14:23,415,183, T>C on the plus strand (A>G on the coding strand, the complement: MYH7 is on the minus strand). VCF-style: chr14-23415183-T-C. GRCh37 (hg19) VCF-style: chr14-23884392-T-C.
Other names: c.5371A>G, p.Lys1791Glu (NM_001407004.1); short protein forms K1791E.
Identifiers: ClinVar variation 5025155 (VCV005025155.1).
Genomic context (GRCh38, chr14:23,415,183, plus strand): 5'-GCTTCTTGCCGCCCTTGAGGGCGATCTGCTCGGCTTCGTCCAGCCGGTGCTGCAGGTCCT[T>C]AATGGTCTGTTCCATGTTCTTCTTCATGCGCTCCAGGTGGGCGCTGGTGTCCTGCTCCTT-3'
Protein context (NP_000248.2, residues 1781-1801): RMKKNMEQTI[Lys1791Glu]DLQHRLDEAE

ClinVar aggregate classification (germline): Uncertain significance (1 of 4 stars; one submission).

Conditions:
Cardiovascular phenotype. Identifiers: MedGen CN230736.

Submission:

Ambry Genetics
Classification: Uncertain significance for Cardiovascular phenotype. Last evaluated: 2026-06-27. Review status: criteria provided, single submitter. Criteria: Ambry Variant Classification Scheme 2023. Collection method: clinical testing. Allele origin: germline.
Comment: The p.K1791E variant (also known as c.5371A>G), located in coding exon 35 of the MYH7 gene, results from an A to G substitution at nucleotide position 5371. The lysine at codon 1791 is replaced by glutamic acid, an amino acid with similar properties. This amino acid position is conserved. In addition, this alteration is predicted to be deleterious by in silico analysis. Based on the available evidence, the clinical significance of this variant remains unclear.